The following is an entry in ClinVar:

NM_014855.3(AP5Z1):c.670dup (p.Thr224fs)

Gene: AP5Z1 (adaptor related protein complex 5 subunit zeta 1; plus strand). Cytogenetic location: 7p22.1.
Variant type: Duplication.
Coding change: c.670dup on transcript NM_014855.3 (MANE Select); coding-DNA position 670, one base duplicated (A; older notation c.670dupA).
Protein change: p.Thr224fs; shifts the reading frame from threonine 224.
Molecular consequence: frameshift variant. On other transcripts: non-coding transcript variant (1).
Genome position (GRCh38, 1-based): chr7:4,784,251, A duplicated. VCF-style (leftmost placement, unchanged base first): chr7-4784250-C-CA. GRCh37 (hg19) VCF-style: chr7-4823881-C-CA.
Other names: c.202dup, p.Thr68fs (NM_001364858.1); short protein forms T224fs, T68fs.
Identifiers: ClinVar variation 3653876 (VCV003653876.2).

ClinVar aggregate classification (germline): Pathogenic (1 of 4 stars; one submission).

Conditions:
Hereditary spastic paraplegia 48. Also called: Spastic paraplegia 48; SPASTIC PARAPLEGIA 48, AUTOSOMAL RECESSIVE. Identifiers: Orphanet 306511, MedGen C3150901, MONDO:0013342, OMIM 613647.

Submission:

Labcorp Genetics (formerly Invitae), Labcorp
Classification: Pathogenic for Hereditary spastic paraplegia 48. Last evaluated: 2024-06-02. Review status: criteria provided, single submitter. Criteria: Invitae Variant Classification Sherloc (09022015). Collection method: clinical testing. Allele origin: germline.
Comment: This sequence change creates a premature translational stop signal (p.Thr224Asnfs*42) in the AP5Z1 gene. It is expected to result in an absent or disrupted protein product. Loss-of-function variants in AP5Z1 are known to be pathogenic (PMID: 20613862, 27606357). This variant is not present in population databases (gnomAD no frequency). This variant has not been reported in the literature in individuals affected with AP5Z1-related conditions. For these reasons, this variant has been classified as Pathogenic.

Literature cited by the submitters: PubMed 20613862; PubMed 27606357.